The following is an entry in ClinVar:

ClinVar aggregate classification (germline): Uncertain significance. Review status: criteria provided, multiple submitters, no conflicts (2 of 4 stars). 4 submissions from 4 submitters: Uncertain significance (4). Last evaluated 2026-07-19.

Conditions:
Rhabdoid tumor predisposition syndrome 2 (RTPS2). Identifiers: Orphanet 231108, Orphanet 69077, MedGen C2750074, MONDO:0013224, OMIM 613325.
Intellectual disability, autosomal dominant 16 (CSS4). Also called: COFFIN-SIRIS SYNDROME 4. Identifiers: Orphanet 1465, MedGen C3553249, MONDO:0013821, OMIM 614609.
Hereditary cancer-predisposing syndrome. Also called: Neoplastic Syndromes, Hereditary; Hereditary Cancer Syndrome; Hereditary neoplastic syndrome; Tumor predisposition. Identifiers: Orphanet 140162, MedGen C0027672, MeSH D009386, MONDO:0015356.

Allele frequency attached by ClinVar (database versions not stated): gnomAD exomes below 0.00001; gnomAD 0.00001.
gnomAD v4.1: 2 of 1,609,710 alleles (0.00012%); highest among the groups gnomAD compares: Admixed American, 0.0017%; no homozygotes.

Submissions (4):

Ambry Genetics
Classification: Uncertain significance for Hereditary cancer-predisposing syndrome. Last evaluated: 2026-07-19. Review status: criteria provided, single submitter. Criteria: Ambry Variant Classification Scheme 2023. Collection method: clinical testing. Allele origin: germline.

Labcorp Genetics (formerly Invitae), Labcorp
Classification: Uncertain significance for Rhabdoid tumor predisposition syndrome 2. Last evaluated: 2025-08-07. Review status: criteria provided, single submitter. Criteria: Invitae Variant Classification Sherloc (09022015). Collection method: clinical testing. Allele origin: germline.
Comment: This sequence change replaces methionine, which is neutral and non-polar, with valine, which is neutral and non-polar, at codon 255 of the SMARCA4 protein (p.Met255Val). This variant is not present in population databases (gnomAD no frequency). This variant has not been reported in the literature in individuals affected with SMARCA4-related conditions. ClinVar contains an entry for this variant (Variation ID: 644973). An algorithm developed to predict the effect of missense changes on protein structure and function (PolyPhen-2) suggests that this variant is likely to be tolerated. In summary, the available evidence is currently insufficient to determine the role of this variant in disease. Therefore, it has been classified as a Variant of Uncertain Significance.

GeneDx
Classification: Uncertain significance. Last evaluated: 2022-12-02. Review status: criteria provided, single submitter. Criteria: GeneDx Variant Classification Process June 2021. Collection method: clinical testing. Allele origin: germline. Affected: yes.
Comment: Not observed at significant frequency in large population cohorts (gnomAD); In silico analysis supports that this missense variant does not alter protein structure/function; Has not been previously published as pathogenic or benign to our knowledge

Genome-Nilou Lab
Classification: Uncertain significance for Intellectual disability, autosomal dominant 16. Last evaluated: 2021-07-15. Review status: criteria provided, single submitter. Criteria: ACMG Guidelines, 2015. Collection method: clinical testing. Allele origin: germline. Affected: no.

NM_003072.5(SMARCA4):c.763A>G (p.Met255Val)

Gene: SMARCA4 (SWI/SNF related BAF chromatin remodeling complex subunit ATPase 4; plus strand). Cytogenetic location: 19p13.2.
Variant type: single nucleotide variant.
Coding change: c.763A>G on transcript NM_003072.5 (MANE Select); coding-DNA position 763, A replaced by G.
Protein change: p.Met255Val; replaces methionine 255 with valine.
Molecular consequence: missense variant. On other transcripts: non-coding transcript variant (1).
Genome position (GRCh38, 1-based): chr19:10,986,907, A>G. VCF-style: chr19-10986907-A-G. GRCh37 (hg19) VCF-style: chr19-11097583-A-G.
Other names: c.763A>G, p.Met255Val (NM_001128844.3, NM_001128845.2, NM_001128846.2 and 5 more transcripts); short protein forms M255V.
Identifiers: ClinVar variation 644973 (VCV000644973.18), dbSNP rs754085815, ClinGen allele CA305287101.
Genomic context (GRCh38, chr19:10,986,907, plus strand): 5'-GGGCGCAGGCATAAACCTGGGACGCACTGTTTTCTCTTTTGTTTCTCCCTACATGTAGGT[A>G]TGGGAGGGCCCAACATGCCTCCCCCAGGACCCTCGGGCGTGCCCCCCGGGATGCCAGGCC-3'
Protein context (NP_003063.2, residues 245-265): APPNYSRPHG[Met255Val]GGPNMPPPGP